The following is an entry in ClinVar:

NM_006080.3(SEMA3A):c.1812G>A (p.Ala604=)

Gene: SEMA3A (semaphorin 3A; minus strand). Cytogenetic location: 7q21.11.
Variant type: single nucleotide variant.
Coding change: c.1812G>A on transcript NM_006080.3 (MANE Select); coding-DNA position 1812, G replaced by A.
Protein change: p.Ala604=; no amino-acid change (alanine 604 retained).
Molecular consequence: synonymous variant.
Genome position (GRCh38, 1-based): chr7:83,963,253, C>T on the plus strand (G>A on the coding strand, the complement: SEMA3A is on the minus strand). VCF-style: chr7-83963253-C-T. GRCh37 (hg19) VCF-style: chr7-83592569-C-T.
Identifiers: ClinVar variation 730122 (VCV000730122.6), dbSNP rs76198750, ClinGen allele CA4322608.

ClinVar aggregate classification (germline): Likely benign. Review status: criteria provided, multiple submitters, no conflicts (2 of 4 stars). 3 submissions from 3 submitters: Likely benign (2). 1 of the submissions does not count toward it. Last evaluated 2026-05-13.

Conditions:
SEMA3A-related disorder. Also called: SEMA3A-related condition.

Allele frequency attached by ClinVar (database versions not stated): TOPMed 0.00030; 1000 Genomes Project 0.00040; 1000 Genomes Project 30x 0.00047; gnomAD 0.00028 and 0.00029; gnomAD exomes 0.00009; ESP Exome Variant Server 0.00015; ExAC 0.00009.
gnomAD v4.1: 121 of 1,613,602 alleles (0.0075%); highest among the groups gnomAD compares: African/African-American, 0.12%; no homozygotes.

Submissions (3):

Women's Health and Genetics/Laboratory Corporation of America, LabCorp
Classification: Likely benign. Last evaluated: 2026-05-13. Review status: criteria provided, single submitter. Criteria: LabCorp Variant Classification Summary - May 2015. Collection method: clinical testing. Allele origin: germline.

Labcorp Genetics (formerly Invitae), Labcorp
Classification: Likely benign. Last evaluated: 2017-12-20. Review status: criteria provided, single submitter. Criteria: Invitae Variant Classification Sherloc (09022015). Collection method: clinical testing. Allele origin: germline.

PreventionGenetics, part of Exact Sciences
Classification: Likely benign for SEMA3A-related condition. Last evaluated: 2022-01-19. Review status: no assertion criteria provided. Collection method: clinical testing. Allele origin: germline. Not counted in ClinVar's aggregate classification.
Comment: This variant is classified as likely benign based on ACMG/AMP sequence variant interpretation guidelines (Richards et al. 2015 PMID: 25741868, with internal and published modifications).